The following is an entry in ClinVar:

ClinVar aggregate classification (germline): Uncertain significance. Review status: criteria provided, multiple submitters, no conflicts (2 of 4 stars). 2 submissions from 2 submitters: Uncertain significance (2). Last evaluated 2025-02-12.

Allele frequency attached by ClinVar (database versions not stated): gnomAD 0.00001; gnomAD exomes 0.00002; TOPMed 0.00003.
gnomAD v4.1: 15 of 1,614,052 alleles (0.00093%); highest among the groups gnomAD compares: Admixed American, 0.025%; no homozygotes.

Submissions (2):

Labcorp Genetics (formerly Invitae), Labcorp
Classification: Uncertain significance. Last evaluated: 2025-02-12. Review status: criteria provided, single submitter. Criteria: Invitae Variant Classification Sherloc (09022015). Collection method: clinical testing. Allele origin: germline.
Comment: This sequence change replaces tyrosine, which is neutral and polar, with histidine, which is basic and polar, at codon 49 of the KRT71 protein (p.Tyr49His). This variant is present in population databases (rs563981297, gnomAD 0.05%). This variant has not been reported in the literature in individuals affected with KRT71-related conditions. ClinVar contains an entry for this variant (Variation ID: 2385661). Invitae Evidence Modeling of protein sequence and biophysical properties (such as structural, functional, and spatial information, amino acid conservation, physicochemical variation, residue mobility, and thermodynamic stability) indicates that this missense variant is not expected to disrupt KRT71 protein function with a negative predictive value of 80%. In summary, the available evidence is currently insufficient to determine the role of this variant in disease. Therefore, it has been classified as a Variant of Uncertain Significance.

Ambry Genetics
Classification: Uncertain significance. Last evaluated: 2024-12-03. Review status: criteria provided, single submitter. Criteria: Ambry Variant Classification Scheme 2023. Collection method: clinical testing. Allele origin: germline.

NM_033448.3(KRT71):c.145T>C (p.Tyr49His)

Gene: KRT71 (keratin 71; minus strand). Cytogenetic location: 12q13.13.
Variant type: single nucleotide variant.
Coding change: c.145T>C on transcript NM_033448.3 (MANE Select); coding-DNA position 145, T replaced by C.
Protein change: p.Tyr49His; replaces tyrosine 49 with histidine.
Molecular consequence: missense variant.
Genome position (GRCh38, 1-based): chr12:52,552,933, A>G on the plus strand (T>C on the coding strand, the complement: KRT71 is on the minus strand). VCF-style: chr12-52552933-A-G. GRCh37 (hg19) VCF-style: chr12-52946717-A-G.
Other names: short protein forms Y49H.
Identifiers: ClinVar variation 2385661 (VCV002385661.4), dbSNP rs563981297, ClinGen allele CA6583535.